The following is an entry in ClinVar:

NC_000018.9:g.(?_28934703)_(28936484_?)del

Gene: DSG1 (desmoglein 1; plus strand). Cytogenetic location: 18q12.1.
Variant type: Deletion.
Identifiers: ClinVar variation 1492567 (VCV001492567.4).

ClinVar aggregate classification (germline): Uncertain significance (1 of 4 stars; one submission).

Submission:

Labcorp Genetics (formerly Invitae), Labcorp
Classification: Uncertain significance. Last evaluated: 2020-11-07. Review status: criteria provided, single submitter. Criteria: Invitae Variant Classification Sherloc (09022015). Collection method: clinical testing. Allele origin: germline.
Comment: In summary, the available evidence is currently insufficient to determine the role of this variant in disease. Therefore, it has been classified as a Variant of Uncertain Significance. Experimental studies and prediction algorithms are not available or were not evaluated, and the functional significance of this variant is currently unknown. This variant has not been reported in the literature in individuals with DSG1-related conditions. This sequence change creates a premature translational stop signal in the DSG1 gene (Exon 15). While this is not anticipated to result in nonsense mediated decay, it is expected to disrupt the last 201 amino acid(s) of the DSG1 protein.